The following is an entry in ClinVar:

NM_012434.5(SLC17A5):c.1096delinsTGTGTATAAGAGACAGT (p.Ile366delinsCysValTer)

Gene: SLC17A5 (solute carrier family 17 member 5; minus strand). Cytogenetic location: 6q13.
Variant type: Indel.
Coding change: c.1096delinsTGTGTATAAGAGACAGT on transcript NM_012434.5 (MANE Select); coding-DNA position 1096, A replaced by TGTGTATAAGAGACAGT.
Protein change: p.Ile366delinsCysValTer.
Molecular consequence: nonsense.
Genome position (GRCh38, 1-based): chr6:73,615,330, T replaced by ACTGTCTCTTATACACA on the plus strand (A replaced by TGTGTATAAGAGACAGT on the coding strand, the reverse complement: SLC17A5 is on the minus strand). VCF-style: chr6-73615330-T-ACTGTCTCTTATACACA. GRCh37 (hg19) VCF-style: chr6-74325053-T-ACTGTCTCTTATACACA.
Other names: c.865delinsTGTGTATAAGAGACAGT, p.Ile289delinsCysValTer (NM_001382629.1); c.1096delinsTGTGTATAAGAGACAGT, p.Ile366delinsCysValTer (NM_001382630.1, NM_001382633.1); c.1117delinsTGTGTATAAGAGACAGT, p.Ile373delinsCysValTer (NM_001382631.1); c.1009delinsTGTGTATAAGAGACAGT, p.Ile337delinsCysValTer (NM_001382632.1); c.937delinsTGTGTATAAGAGACAGT, p.Ile313delinsCysValTer (NM_001382634.1); c.1093delinsTGTGTATAAGAGACAGT, p.Ile365delinsCysValTer (NM_001382635.1); c.778delinsTGTGTATAAGAGACAGT, p.Ile260delinsCysValTer (NM_001382636.1).
Identifiers: ClinVar variation 1725173 (VCV001725173.3), dbSNP rs2533429191, ClinGen allele CA2580075764.

ClinVar aggregate classification (germline): Likely pathogenic (1 of 4 stars; one submission).

Conditions:
Sialic acid storage disease, severe infantile type (ISSD). Also called: INFANTILE SIALIC ACID STORAGE DISORDER; N-ACETYLNEURAMINIC ACID STORAGE DISEASE; NANA STORAGE DISEASE; SIALURIA, INFANTILE FORM; Infantile Sialic Acid Storage Disease; Free sialic acid storage disease, infantile form. Identifiers: Orphanet 309324, Orphanet 834, MedGen C1096902, MONDO:0010027, OMIM 269920.

Submission:

Myriad Genetics, Inc.
Classification: Likely pathogenic for Sialic acid storage disease, severe infantile type. Last evaluated: 2022-03-13. Review status: criteria provided, single submitter. Criteria: Myriad Autosomal Dominant, Autosomal Recessive and X-Linked Classification Criteria (2023). Collection method: clinical testing. Allele origin: unknown.
Comment: NM_012434.4(SLC17A5):c.1096del1ins17(I366Cfs*3) is expected to be pathogenic in the context of free sialic acid storage disorders. This variant is predicted to lead to an abnormal or absent protein product due to the creation of a premature termination codon in SLC17A5, a gene where loss-of-function variants are known to be pathogenic. Please note: this variant was assessed in the context of healthy population screening.